The following is an entry in ClinVar:

NM_201384.3(PLEC):c.4672G>A (p.Glu1558Lys)

Gene: PLEC (plectin; minus strand). Cytogenetic location: 8q24.3.
Variant type: single nucleotide variant.
Coding change: c.4672G>A on transcript NM_201384.3 (MANE Select); coding-DNA position 4672, G replaced by A.
Protein change: p.Glu1558Lys; replaces glutamic acid 1558 with lysine.
Molecular consequence: missense variant. On other transcripts: intron variant (1).
Genome position (GRCh38, 1-based): chr8:143,925,257, C>T on the plus strand (G>A on the coding strand, the complement: PLEC is on the minus strand). VCF-style: chr8-143925257-C-T. GRCh37 (hg19) VCF-style: chr8-144999425-C-T.
Other names: c.4753G>A, p.Glu1585Lys (NM_000445.5); c.4630G>A, p.Glu1544Lys (NM_201378.4); c.4606G>A, p.Glu1536Lys (NM_201379.3); c.5083G>A, p.Glu1695Lys (NM_201380.4); c.4576G>A, p.Glu1526Lys (NM_201381.3); c.4672G>A, p.Glu1558Lys (NM_201382.4); c.4684G>A, p.Glu1562Lys (NM_201383.3); c.4125+1527G>A (NM_001410941.1); short protein forms E1526K, E1536K, E1544K, E1558K, E1562K, E1585K, E1695K.
Identifiers: ClinVar variation 4862038 (VCV004862038.1).

ClinVar aggregate classification (germline): Uncertain significance (1 of 4 stars; one submission).

Conditions:
Inborn genetic diseases. Identifiers: MedGen C0950123, MeSH D030342.

gnomAD v4.1: 6 of 1,584,640 alleles (0.00038%); highest among the groups gnomAD compares: African/African-American, 0.0027%; no homozygotes.

Submission:

Ambry Genetics
Classification: Uncertain significance for Inborn genetic diseases. Last evaluated: 2026-04-21. Review status: criteria provided, single submitter. Criteria: Ambry Variant Classification Scheme 2023. Collection method: clinical testing. Allele origin: germline.
Comment: The c.4753G>A (p.E1585K) alteration is located in exon 32 (coding exon 31) of the PLEC gene. This alteration results from a G to A substitution at nucleotide position 4753, causing the glutamic acid (E) at amino acid position 1585 to be replaced by a lysine (K). Based on data from gnomAD, the A allele has an overall frequency of 0.001% (2/199630) total alleles studied. The highest observed frequency was 0.003% (1/32754) of Latino alleles. Based on insufficient or conflicting evidence, the clinical significance of this alteration remains unclear.